The following is an entry in ClinVar:

ClinVar aggregate classification (germline): Conflicting classifications of pathogenicity. Review status: criteria provided, conflicting classifications (1 of 4 stars). 9 submissions from 8 submitters: Uncertain significance (4); Likely benign (5). Last evaluated 2026-01-25.

Conditions:
Cardiovascular phenotype. Identifiers: MedGen CN230736.
Hypercholesterolemia, autosomal dominant, type B (FHCL2). Also called: Familial hypercholesterolemia 2; APOB-Related Familial Hypercholesterolemia, Autosomal Dominant; APOLIPOPROTEIN B-100, FAMILIAL DEFECTIVE; APOLIPOPROTEIN B-100, FAMILIAL LIGAND-DEFECTIVE; Familial Hypercholesterolemia Type B; HYPERCHOLESTEROLEMIA, FAMILIAL, DUE TO LIGAND-DEFECTIVE APOLIPOPROTEIN B. Identifiers: MedGen C1704417, MONDO:0007751, OMIM 144010.
Familial hypobetalipoproteinemia 1. Also called: APOB-Related Familial Hypobetalipoproteinemia; Hypobetalipoproteinemia, normotriglyceridemic; Acanthocytosis with hypobetalipoproteinemia. Identifiers: MedGen C4551990, MONDO:0014252, OMIM 615558.
Hypercholesterolemia, familial, 1. Also called: LDL RECEPTOR DISORDER; Hyperlipoproteinemia Type IIa; HYPER-LOW-DENSITY-LIPOPROTEINEMIA; HYPERCHOLESTEROLEMIC XANTHOMATOSIS, FAMILIAL; Fredrickson type IIa hyperlipoproteinemia; Hyperlipoproteinemia type 2. Identifiers: Orphanet 391665, MedGen C0745103, MONDO:0007750, OMIM 143890.

Allele frequency attached by ClinVar (database versions not stated): TOPMed 0.00010; gnomAD 0.00027; 1000 Genomes Project 30x 0.00031; 1000 Genomes Project 0.00040; ExAC 0.00040.

Submissions (9):

Labcorp Genetics (formerly Invitae), Labcorp
Classification: Likely benign for Familial hypobetalipoproteinemia 1; Hypercholesterolemia, autosomal dominant, type B. Last evaluated: 2026-01-25. Review status: criteria provided, single submitter. Criteria: Invitae Variant Classification Sherloc (09022015). Collection method: clinical testing. Allele origin: germline.

Blueprint Genetics
Classification: Likely benign. Last evaluated: 2024-10-25. Review status: criteria provided, single submitter. Criteria: ACMG Guidelines, 2015. Collection method: clinical testing. Allele origin: germline.

CeGaT Center for Human Genetics Tuebingen
Classification: Likely benign. Last evaluated: 2024-08-01. Review status: criteria provided, single submitter. Criteria: CeGaT Center For Human Genetics Tuebingen Variant Classification Criteria Version 2. Collection method: clinical testing. Allele origin: germline. Affected: yes. Observed: 1 variant allele.
Comment: APOB: BP4

GeneDx
Classification: Uncertain significance. Last evaluated: 2023-06-08. Review status: criteria provided, single submitter. Criteria: GeneDx Variant Classification Process June 2021. Collection method: clinical testing. Allele origin: germline. Affected: yes.
Comment: Identified in a cohort of individuals with hypercholesterolemia; however, zygosity and patient specific clinical information were not provided (PMID: 35339733); In silico analysis supports that this missense variant has a deleterious effect on protein structure/function; Also known as p.(Y3268H); This variant is associated with the following publications: (PMID: 35339733)

Ambry Genetics
Classification: Likely benign for Cardiovascular phenotype. Last evaluated: 2022-04-25. Review status: criteria provided, single submitter. Criteria: Ambry Variant Classification Scheme 2023. Collection method: clinical testing. Allele origin: germline.

Quest Diagnostics Nichols Institute San Juan Capistrano
Classification: Likely benign. Last evaluated: 2020-06-23. Review status: criteria provided, single submitter. Criteria: Quest Diagnostics criteria. Collection method: clinical testing. Allele origin: unknown.

Illumina Laboratory Services, Illumina
Classification: Uncertain significance for Hypercholesterolemia, autosomal dominant, type B. Last evaluated: 2018-01-13. Review status: criteria provided, single submitter. Criteria: ICSL Variant Classification Criteria 13 December 2019. Collection method: clinical testing. Allele origin: germline.

Illumina Laboratory Services, Illumina
Classification: Uncertain significance for Familial hypobetalipoproteinemia 1. Last evaluated: 2018-01-13. Review status: criteria provided, single submitter. Criteria: ICSL Variant Classification Criteria 13 December 2019. Collection method: clinical testing. Allele origin: germline.

Robarts Research Institute, Western University
Classification: Uncertain significance for Hypercholesterolemia, familial, 1. Last evaluated: 2018-01-02. Review status: criteria provided, single submitter. Criteria: ACMG Guidelines, 2015. Collection method: clinical testing. Allele origin: germline. Inheritance: Autosomal dominant inheritance. Affected: yes.

NM_000384.3(APOB):c.9883T>C (p.Tyr3295His)

Gene: APOB (apolipoprotein B; minus strand). Cytogenetic location: 2p24.1.
Variant type: single nucleotide variant.
Coding change: c.9883T>C on transcript NM_000384.3 (MANE Select); coding-DNA position 9883, T replaced by C.
Protein change: p.Tyr3295His; replaces tyrosine 3295 with histidine.
Molecular consequence: missense variant.
Genome position (GRCh38, 1-based): chr2:21,006,985, A>G on the plus strand (T>C on the coding strand, the complement: APOB is on the minus strand). VCF-style: chr2-21006985-A-G. GRCh37 (hg19) VCF-style: chr2-21229857-A-G.
Other names: short protein forms Y3295H.
Identifiers: ClinVar variation 334108 (VCV000334108.56), dbSNP rs186299244, ClinGen allele CA066938.